The following is an entry in ClinVar:

ClinVar aggregate classification (germline): Likely benign. Review status: criteria provided, multiple submitters, no conflicts (2 of 4 stars). 5 submissions from 5 submitters: Likely benign (4). 1 of the submissions does not count toward it. Last evaluated 2025-09-13.

Conditions:
Hereditary cancer-predisposing syndrome. Also called: Neoplastic Syndromes, Hereditary; Tumor predisposition; Hereditary neoplastic syndrome; Hereditary Cancer Syndrome. Identifiers: Orphanet 140162, MedGen C0027672, MeSH D009386, MONDO:0015356.
Multiple endocrine neoplasia, type 2 (MEN2). Identifiers: Orphanet 653, MedGen C4048306, MONDO:0019003. Disease mechanism: gain of function.
RET-related disorder. Also called: RET-related disorders; RET-related condition; RET-related disease.

Allele frequency attached by ClinVar (database versions not stated): TOPMed 0.00002.

Submissions (5):

Labcorp Genetics (formerly Invitae), Labcorp
Classification: Likely benign for Multiple endocrine neoplasia, type 2. Last evaluated: 2025-09-13. Review status: criteria provided, single submitter. Criteria: Invitae Variant Classification Sherloc (09022015). Collection method: clinical testing. Allele origin: germline.

All of Us Research Program, National Institutes of Health
Classification: Likely benign for Multiple endocrine neoplasia, type 2. Last evaluated: 2023-11-30. Review status: criteria provided, single submitter. Criteria: ACMG Guidelines, 2015. Collection method: clinical testing. Allele origin: germline. Inheritance: Autosomal dominant inheritance. Observed: 4 variant alleles, 4 heterozygotes.
Comment: This study involves interpretation of variants in research participants for the purpose of population health screening. Participant phenotype was not available at the time of variant classification. Additional details can be found in publication PMID: 35346344, PMCID: PMC8962531

Color Diagnostics, LLC DBA Color Health
Classification: Likely benign for Multiple endocrine neoplasia, type 2. Last evaluated: 2022-11-06. Review status: criteria provided, single submitter. Criteria: ACMG Guidelines, 2015. Collection method: clinical testing. Allele origin: germline.

Ambry Genetics
Classification: Likely benign for Hereditary cancer-predisposing syndrome. Last evaluated: 2019-11-27. Review status: criteria provided, single submitter. Criteria: Ambry Variant Classification Scheme 2023. Collection method: clinical testing. Allele origin: germline.

PreventionGenetics, part of Exact Sciences
Classification: Likely benign for RET-related condition. Last evaluated: 2021-05-10. Review status: no assertion criteria provided. Collection method: clinical testing. Allele origin: germline. Not counted in ClinVar's aggregate classification.
Comment: This variant is classified as likely benign based on ACMG/AMP sequence variant interpretation guidelines (Richards et al. 2015 PMID: 25741868, with internal and published modifications).

NM_020975.6(RET):c.633T>C (p.Gly211=)

Gene: RET (ret proto-oncogene; plus strand). Cytogenetic location: 10q11.21.
Variant type: single nucleotide variant.
Coding change: c.633T>C on transcript NM_020975.6 (MANE Select); coding-DNA position 633, T replaced by C.
Protein change: p.Gly211=; no amino-acid change (glycine 211 retained).
Molecular consequence: synonymous variant. On other transcripts: 5 prime UTR variant (1), intron variant (22).
Genome position (GRCh38, 1-based): chr10:43,104,959, T>C. VCF-style: chr10-43104959-T-C. GRCh37 (hg19) VCF-style: chr10-43600407-T-C.
Other names: c.633T>C, p.Gly211= (NM_000323.2, NM_001406743.1, NM_001406744.1 and 8 more transcripts); c.-130T>C (NM_001355216.2); c.504T>C, p.Gly168= (NM_001406761.1, NM_001406762.1, NM_001406764.1 and 2 more transcripts); c.345T>C, p.Gly115= (NM_001406766.1, NM_001406767.1, NM_001406770.1); c.625+2330T>C (NM_001406773.1, NM_001406771.1, NM_001406782.1 and 5 more transcripts); c.496+2330T>C (NM_001406786.1, NM_001406783.1); c.338-4072T>C (NM_001406778.1, NM_001406775.1, NM_001406776.1 and 1 more transcripts); c.337+4237T>C (NM_001406790.1, NM_001406788.1, NM_001406789.1 and 1 more transcripts); and 2 more.
Identifiers: ClinVar variation 826332 (VCV000826332.18), dbSNP rs1371983599, ClinGen allele CA469021461.